The following is an entry in ClinVar:

ClinVar aggregate classification (germline): Uncertain significance. Review status: criteria provided, multiple submitters, no conflicts (2 of 4 stars). 2 submissions from 2 submitters: Uncertain significance (2). Last evaluated 2026-04-14.

Conditions:
MYO7A-related disorder. Also called: MYO7A-related disorders.

gnomAD v4.1: 1 of 1,606,362 alleles (0.000062%); highest among the groups gnomAD compares: Non-Finnish European, 0.000085%; no homozygotes.

Submissions (2):

Women's Health and Genetics/Laboratory Corporation of America, LabCorp
Classification: Uncertain significance. Last evaluated: 2026-04-14. Review status: criteria provided, single submitter. Criteria: LabCorp Variant Classification Summary - May 2015. Collection method: clinical testing. Allele origin: germline.

PreventionGenetics, part of Exact Sciences
Classification: Uncertain significance for MYO7A-related condition. Last evaluated: 2026-01-23. Review status: criteria provided, single submitter. Criteria: ACMG Guidelines, 2015. Collection method: clinical testing. Allele origin: germline.
Comment: The MYO7A c.6354+4C>A variant is predicted to interfere with splicing. This variant is predicted to alter splicing based on available splicing prediction software (SpliceAI, Jaganathan et al. 2019. PubMed ID: 30661751). However, the use of computer prediction softwares is not equivalent to functional evidence. To our knowledge, this variant has not been reported in the literature. This variant is reported in 0.00089% of alleles in individuals of European (Non-Finnish) descent in gnomAD. At this time, the clinical significance of this variant is uncertain due to the absence of conclusive functional and genetic evidence.

NM_000260.4(MYO7A):c.6354+4C>A

Gene: MYO7A (myosin VIIA; plus strand). Cytogenetic location: 11q13.5.
Variant type: single nucleotide variant.
Coding change: c.6354+4C>A on transcript NM_000260.4 (MANE Select); 4 bases into the intron after coding-DNA position 6354, C replaced by A.
Molecular consequence: intron variant.
Genome position (GRCh38, 1-based): chr11:77,211,941, C>A. VCF-style: chr11-77211941-C-A. GRCh37 (hg19) VCF-style: chr11-76922986-C-A.
Other names: c.6207+4C>A (NM_001369365.1); c.6234+10C>A (NM_001127180.2); c.6354+4C>A (NM_000260.3).
Identifiers: ClinVar variation 4848629 (VCV004848629.2).